The following is an entry in ClinVar:

NM_000829.4(GRIA4):c.573T>G (p.Asp191Glu)

Gene: GRIA4 (glutamate ionotropic receptor AMPA type subunit 4; plus strand). Cytogenetic location: 11q22.3.
Variant type: single nucleotide variant.
Coding change: c.573T>G on transcript NM_000829.4 (MANE Select); coding-DNA position 573, T replaced by G.
Protein change: p.Asp191Glu; replaces aspartic acid 191 with glutamic acid.
Molecular consequence: missense variant. On other transcripts: non-coding transcript variant (1).
Genome position (GRCh38, 1-based): chr11:105,862,109, T>G. VCF-style: chr11-105862109-T-G. GRCh37 (hg19) VCF-style: chr11-105732835-T-G.
Other names: c.573T>G, p.Asp191Glu (NM_001077243.3, NM_001077244.2, NM_001112812.2); short protein forms D191E.
Identifiers: ClinVar variation 1694645 (VCV001694645.32), dbSNP rs114323282, ClinGen allele CA6258429.

ClinVar aggregate classification (germline): Likely benign. Review status: criteria provided, multiple submitters, no conflicts (2 of 4 stars). 2 submissions from 2 submitters: Likely benign (2). Last evaluated 2024-10-11.

Allele frequency attached by ClinVar (database versions not stated): ESP Exome Variant Server 0.00015; TOPMed 0.00015; gnomAD 0.00016 and 0.00023; 1000 Genomes Project 30x 0.00031; gnomAD exomes 0.00034 and 0.00047; 1000 Genomes Project 0.00040; ExAC 0.00050.
gnomAD v4.1: 546 of 1,610,062 alleles (0.034%); highest among the groups gnomAD compares: Middle Eastern, 0.61%; 7 homozygotes.

Submissions (2):

Blueprint Genetics
Classification: Likely benign. Last evaluated: 2024-10-11. Review status: criteria provided, single submitter. Criteria: ACMG Guidelines, 2015. Collection method: clinical testing. Allele origin: germline.

CeGaT Center for Human Genetics Tuebingen
Classification: Likely benign. Last evaluated: 2023-05-01. Review status: criteria provided, single submitter. Criteria: CeGaT Center For Human Genetics Tuebingen Variant Classification Criteria Version 2. Collection method: clinical testing. Allele origin: germline. Affected: yes. Observed: 3 variant alleles.
Comment: GRIA4: BS2